The following is an entry in ClinVar:

NM_001242896.3(DEPDC5):c.3621C>T (p.Ser1207=)

Gene: DEPDC5 (DEP domain containing 5, GATOR1 subcomplex subunit; plus strand). Cytogenetic location: 22q12.3.
Variant type: single nucleotide variant.
Coding change: c.3621C>T on transcript NM_001242896.3 (MANE Select); coding-DNA position 3621, C replaced by T.
Protein change: p.Ser1207=; no amino-acid change (serine 1207 retained).
Molecular consequence: synonymous variant. On other transcripts: non-coding transcript variant (4).
Genome position (GRCh38, 1-based): chr22:31,874,330, C>T. VCF-style: chr22-31874330-C-T. GRCh37 (hg19) VCF-style: chr22-32270316-C-T.
Other names: c.3594C>T, p.Ser1198= (NM_001136029.4); c.3321C>T, p.Ser1107= (NM_001242897.2); c.3555C>T, p.Ser1185= (NM_001363852.2, NM_001364320.2); c.3387C>T, p.Ser1129= (NM_001363854.2, NM_001364319.2); c.3621C>T, p.Ser1207= (NM_001364318.2); c.3537C>T, p.Ser1179= (NM_001369901.1, NM_001369902.1); c.3528C>T, p.Ser1176= (NM_001369903.1, NM_014662.6); c.3621C>T (NM_001242896.1).
Identifiers: ClinVar variation 1110792 (VCV001110792.21), dbSNP rs775057646, ClinGen allele CA10197044.
Genomic context (GRCh38, chr22:31,874,330, plus strand): 5'-CAGGACAGGAGTCCAGCTGCTCTCTGAACAGAAGGGCCTCTCACCGTACTGCTTCATCAG[C>T]GCGGAGGTGGTACACTGGTTGGTGAACCACGTGGAGGGGATCCAGACACAGGCGATGGCC-3'
Protein context (NP_001229825.1, residues 1197-1217): QKGLSPYCFI[Ser1207=]AEVVHWLVNH

ClinVar aggregate classification (germline): Likely benign. Review status: criteria provided, multiple submitters, no conflicts (2 of 4 stars). 4 submissions from 4 submitters: Likely benign (4). Last evaluated 2026-01-17.

Conditions:
Familial focal epilepsy with variable foci (FPEVF). Identifiers: Orphanet 98820, MedGen C1858477, MONDO:0020310.
Inborn genetic diseases. Identifiers: MedGen C0950123, MeSH D030342.

Allele frequency attached by ClinVar (database versions not stated): gnomAD 0.00001; TOPMed 0.00001; ExAC 0.00003; gnomAD exomes 0.00003 and 0.00004.
gnomAD v4.1: 52 of 1,610,016 alleles (0.0032%); highest among the groups gnomAD compares: Admixed American, 0.0084%; no homozygotes.

Submissions (4):

Labcorp Genetics (formerly Invitae), Labcorp
Classification: Likely benign for Familial focal epilepsy with variable foci. Last evaluated: 2026-01-17. Review status: criteria provided, single submitter. Criteria: Invitae Variant Classification Sherloc (09022015). Collection method: clinical testing. Allele origin: germline.

CeGaT Center for Human Genetics Tuebingen
Classification: Likely benign. Last evaluated: 2025-05-01. Review status: criteria provided, single submitter. Criteria: CeGaT Center For Human Genetics Tuebingen Variant Classification Criteria Version 2. Collection method: clinical testing. Allele origin: germline. Affected: yes. Observed: 1 variant allele.
Comment: DEPDC5: BP4, BP7

Ambry Genetics
Classification: Likely benign for Inborn genetic diseases. Last evaluated: 2025-03-09. Review status: criteria provided, single submitter. Criteria: Ambry Variant Classification Scheme 2023. Collection method: clinical testing. Allele origin: germline.

Women's Health and Genetics/Laboratory Corporation of America, LabCorp
Classification: Likely benign. Last evaluated: 2024-04-18. Review status: criteria provided, single submitter. Criteria: LabCorp Variant Classification Summary - May 2015. Collection method: clinical testing. Allele origin: germline.